The following is an entry in ClinVar:

NM_004525.3(LRP2):c.5390A>G (p.Asn1797Ser)

Gene: LRP2 (LDL receptor related protein 2; minus strand). Cytogenetic location: 2q31.1.
Variant type: single nucleotide variant.
Coding change: c.5390A>G on transcript NM_004525.3 (MANE Select); coding-DNA position 5390, A replaced by G.
Protein change: p.Asn1797Ser; replaces asparagine 1797 with serine.
Molecular consequence: missense variant.
Genome position (GRCh38, 1-based): chr2:169,226,426, T>C on the plus strand (A>G on the coding strand, the complement: LRP2 is on the minus strand). VCF-style: chr2-169226426-T-C. GRCh37 (hg19) VCF-style: chr2-170082936-T-C.
Other names: short protein forms N1797S.
Identifiers: ClinVar variation 722618 (VCV000722618.44), dbSNP rs138070797, ClinGen allele CA1954554.

ClinVar aggregate classification (germline): Conflicting classifications of pathogenicity. Review status: criteria provided, conflicting classifications (1 of 4 stars). 7 submissions from 7 submitters: Uncertain significance (1); Benign (3); Likely benign (2). 1 of the submissions does not count toward it. Last evaluated 2026-01-31.

Conditions:
LRP2-related disorder. Also called: LRP2-related condition.
Donnai-Barrow syndrome. Also called: DBS/FOAR SYNDROME; FACIOOCULOACOUSTICORENAL SYNDROME. Identifiers: Orphanet 2143, MedGen C1857277, MONDO:0009104, OMIM 222448.

Allele frequency attached by ClinVar (database versions not stated): 1000 Genomes Project 30x 0.00141; 1000 Genomes Project 0.00160; TOPMed 0.00216; gnomAD 0.00233 and 0.00234; ESP Exome Variant Server 0.00246; gnomAD exomes 0.00251 and 0.00284; ExAC 0.00264.
gnomAD v4.1: 4,530 of 1,612,768 alleles (0.28%); highest among the groups gnomAD compares: Non-Finnish European, 0.3%; 17 homozygotes.

Submissions (7):

Labcorp Genetics (formerly Invitae), Labcorp
Classification: Benign. Last evaluated: 2026-01-31. Review status: criteria provided, single submitter. Criteria: Invitae Variant Classification Sherloc (09022015). Collection method: clinical testing. Allele origin: germline.

CeGaT Center for Human Genetics Tuebingen
Classification: Benign. Last evaluated: 2025-10-01. Review status: criteria provided, single submitter. Criteria: CeGaT Center For Human Genetics Tuebingen Variant Classification Criteria Version 2. Collection method: clinical testing. Allele origin: germline. Affected: yes. Observed: 9 variant alleles.
Comment: LRP2: BS1, BS2

Blueprint Genetics
Classification: Likely benign. Last evaluated: 2024-11-26. Review status: criteria provided, single submitter. Criteria: ACMG Guidelines, 2015. Collection method: clinical testing. Allele origin: germline.

Genome-Nilou Lab
Classification: Likely benign for Donnai-Barrow syndrome. Last evaluated: 2021-07-15. Review status: criteria provided, single submitter. Criteria: ACMG Guidelines, 2015. Collection method: clinical testing. Allele origin: germline. Affected: no.

Daryl Scott Lab, Baylor College of Medicine
Classification: Uncertain significance for Donnai-Barrow syndrome. Last evaluated: 2020-11-11. Review status: criteria provided, single submitter. Criteria: ACMG Guidelines, 2015. Collection method: clinical testing. Allele origin: maternal. Observed: 1 variant allele, 1 compound heterozygote.

Illumina Laboratory Services, Illumina
Classification: Benign for Donnai-Barrow syndrome. Last evaluated: 2017-04-27. Review status: criteria provided, single submitter. Criteria: ICSL Variant Classification Criteria 13 December 2019. Collection method: clinical testing. Allele origin: germline.
Comment: This variant was observed as part of a predisposition screen in an ostensibly healthy population. A literature search was performed for the gene, cDNA change, and amino acid change (where applicable). No publications were found based on this search. Allele frequency data from public databases was too high to be consistent with this variant causing disease. Therefore, this variant is classified as benign.

PreventionGenetics, part of Exact Sciences
Classification: Benign for LRP2-related condition. Last evaluated: 2019-05-01. Review status: no assertion criteria provided. Collection method: clinical testing. Allele origin: germline. Not counted in ClinVar's aggregate classification.
Comment: This variant is classified as benign based on ACMG/AMP sequence variant interpretation guidelines (Richards et al. 2015 PMID: 25741868, with internal and published modifications).

Literature cited by the submitters: PubMed 33461977 (cited by Daryl Scott Lab, Baylor College of Medicine).